The following is an entry in ClinVar:

NM_000038.6(APC):c.4953T>C (p.Phe1651=)

Gene: APC (APC regulator of Wnt signaling pathway; plus strand). Cytogenetic location: 5q22.2.
Variant type: single nucleotide variant.
Coding change: c.4953T>C on transcript NM_000038.6 (MANE Select); coding-DNA position 4953, T replaced by C.
Protein change: p.Phe1651=; no amino-acid change (phenylalanine 1651 retained).
Molecular consequence: synonymous variant. On other transcripts: non-coding transcript variant (2).
Genome position (GRCh38, 1-based): chr5:112,840,547, T>C. VCF-style: chr5-112840547-T-C. GRCh37 (hg19) VCF-style: chr5-112176244-T-C.
Other names: c.4953T>C, p.Phe1651= (NM_001354895.2, NM_001127510.3, NM_001407450.1); c.5007T>C, p.Phe1669= (NM_001354896.2, NM_001407447.1, NM_001407448.1 and 1 more transcripts); c.4983T>C, p.Phe1661= (NM_001354897.2); c.4878T>C, p.Phe1626= (NM_001354898.2); c.4680T>C, p.Phe1560= (NM_001354902.2); c.4869T>C, p.Phe1623= (NM_001354899.2); c.4830T>C, p.Phe1610= (NM_001354900.2); c.4776T>C, p.Phe1592= (NM_001354901.2, NM_001407453.1); and 11 more.
Identifiers: ClinVar variation 3148780 (VCV003148780.2), dbSNP rs1765811869, ClinGen allele CA446208716.
Genomic context (GRCh38, chr5:112,840,547, plus strand): 5'-TTTTACACCGGGGGATGATATGCCACGGGTGTATTGTGTTGAAGGGACACCTATAAACTT[T>C]TCCACAGCTACATCTCTAAGTGATCTAACAATCGAATCCCCTCCAAATGAGTTAGCTGCT-3'
Protein context (NP_000029.2, residues 1641-1661): VYCVEGTPIN[Phe1651=]STATSLSDLT

ClinVar aggregate classification (germline): Benign/Likely benign. Review status: criteria provided, multiple submitters, no conflicts (2 of 4 stars). 2 submissions from 2 submitters: Benign (1); Likely benign (1). Last evaluated 2025-02-10.

Conditions:
Familial adenomatous polyposis 1 (FAP1). Also called: POLYPOSIS, ADENOMATOUS INTESTINAL; FAMILIAL ADENOMATOUS POLYPOSIS 1, ATTENUATED. Identifiers: MedGen C2713442, MONDO:0021056, OMIM 175100. Disease mechanism: loss of function.
Hereditary cancer-predisposing syndrome. Also called: Neoplastic Syndromes, Hereditary; Tumor predisposition; Hereditary neoplastic syndrome; Hereditary Cancer Syndrome. Identifiers: Orphanet 140162, MedGen C0027672, MeSH D009386, MONDO:0015356.

Allele frequency attached by ClinVar (database versions not stated): TOPMed below 0.00001.

Submissions (2):

Color Diagnostics, LLC DBA Color Health
Classification: Likely benign for Hereditary cancer-predisposing syndrome. Last evaluated: 2025-02-10. Review status: criteria provided, single submitter. Criteria: ACMG Guidelines, 2015. Collection method: clinical testing. Allele origin: germline.

Myriad Genetics, Inc.
Classification: Benign for Familial adenomatous polyposis 1. Last evaluated: 2024-03-28. Review status: criteria provided, single submitter. Criteria: Myriad Autosomal Dominant, Autosomal Recessive and X-Linked Classification Criteria (2023). Collection method: clinical testing. Allele origin: unknown.
Comment: This variant is considered benign. This variant is a silent/synonymous amino acid change and it is not expected to impact splicing.